The following is an entry in ClinVar:

ClinVar aggregate classification (germline): Uncertain significance (1 of 4 stars; one submission).

Conditions:
Congenital muscular hypertrophy-cerebral syndrome (CDLS2). Also called: Cornelia de Lange syndrome 2; SMC1A-Related Cornelia de Lange Syndrome. Identifiers: Orphanet 199, MedGen C1802395, MONDO:0010370, OMIM 300590.

Submission:

Labcorp Genetics (formerly Invitae), Labcorp
Classification: Uncertain significance for Congenital muscular hypertrophy-cerebral syndrome. Last evaluated: 2022-07-26. Review status: criteria provided, single submitter. Criteria: Invitae Variant Classification Sherloc (09022015). Collection method: clinical testing. Allele origin: germline.
Comment: ClinVar contains an entry for this variant (Variation ID: 1472583). This variant has not been reported in the literature in individuals affected with SMC1A-related conditions. This variant is not present in population databases (gnomAD no frequency). This sequence change replaces serine, which is neutral and polar, with tyrosine, which is neutral and polar, at codon 306 of the SMC1A protein (p.Ser306Tyr). Algorithms developed to predict the effect of missense changes on protein structure and function are either unavailable or do not agree on the potential impact of this missense change (SIFT: "Deleterious"; PolyPhen-2: "Possibly Damaging"; Align-GVGD: "Class C0"). In summary, the available evidence is currently insufficient to determine the role of this variant in disease. Therefore, it has been classified as a Variant of Uncertain Significance.

NM_006306.4(SMC1A):c.917C>A (p.Ser306Tyr)

Gene: SMC1A (structural maintenance of chromosomes 1A; minus strand). Cytogenetic location: Xp11.22.
Variant type: single nucleotide variant.
Coding change: c.917C>A on transcript NM_006306.4 (MANE Select); coding-DNA position 917, C replaced by A.
Protein change: p.Ser306Tyr; replaces serine 306 with tyrosine.
Molecular consequence: missense variant.
Genome position (GRCh38, 1-based): chrX:53,412,191, G>T on the plus strand (C>A on the coding strand, the complement: SMC1A is on the minus strand). VCF-style: chrX-53412191-G-T. GRCh37 (hg19) VCF-style: chrX-53439141-G-T.
Other names: c.851C>A, p.Ser284Tyr (NM_001281463.1); short protein forms S306Y, S284Y.
Identifiers: ClinVar variation 1472583 (VCV001472583.8), dbSNP rs2146604807, ClinGen allele CA413257890.
Genomic context (GRCh38, chrX:53,412,191, plus strand): 5'-TAGTGCTTCTGAGCATTCTGCAGAGACTTCTTGGCTGCTTCCAGCTTCTTGATTTTGTGG[G>T]AGGTGTTCTCCTTGGCTTTGATGTACTGAGGCCGCTTCTGGTTCAATTCTGAGTCCTTCT-3'
Protein context (NP_006297.2, residues 296-316): PQYIKAKENT[Ser306Tyr]HKIKKLEAAK